The following is an entry in ClinVar:

NM_014044.7(UNC50):c.644-27dup

Gene: UNC50 (unc-50 inner nuclear membrane RNA binding protein; plus strand). Cytogenetic location: 2q11.2.
Variant type: Duplication.
Coding change: c.644-27dup on transcript NM_014044.7 (MANE Select); 27 bases into the intron before coding-DNA position 644, one base duplicated (A; older notation c.644-27dupA).
Molecular consequence: intron variant.
Genome position (GRCh38, 1-based): chr2:98,618,141, A duplicated; the last of 3 consecutive A bases (chr2:98,618,139-98,618,141); duplicating any one gives the same sequence. VCF-style (leftmost placement, unchanged base first): chr2-98618138-T-TA. GRCh37 (hg19) VCF-style: chr2-99234601-T-TA.
Other names: c.695-27dup (NM_001330354.2); c.644-5dup (NM_001330353.2).
Identifiers: ClinVar variation 3060568 (VCV003060568.2), dbSNP rs1553534036, ClinGen allele CA1795376.

ClinVar aggregate classification (germline): Benign (0 of 4 stars; one submission).

Conditions:
UNC50-related disorder. Also called: UNC50-related condition.

Submission:

PreventionGenetics, part of Exact Sciences
Classification: Benign for UNC50-related condition. Last evaluated: 2019-08-20. Review status: no assertion criteria provided. Collection method: clinical testing. Allele origin: germline.
Comment: This variant is classified as benign based on ACMG/AMP sequence variant interpretation guidelines (Richards et al. 2015 PMID: 25741868, with internal and published modifications).